The following is an entry in ClinVar:

ClinVar aggregate classification (germline): Uncertain significance (1 of 4 stars; one submission).

Submission:

GeneDx
Classification: Uncertain significance. Last evaluated: 2023-10-25. Review status: criteria provided, single submitter. Criteria: GeneDx Variant Classification Process June 2021. Collection method: clinical testing. Allele origin: germline. Affected: yes.
Comment: Not observed at significant frequency in large population cohorts (gnomAD); In silico analysis supports that this missense variant does not alter protein structure/function; Has not been previously published as pathogenic or benign to our knowledge

NM_001256012.3(MYH10):c.5245A>C (p.Thr1749Pro)

Gene: MYH10 (myosin heavy chain 10; minus strand). Cytogenetic location: 17p13.1.
Variant type: single nucleotide variant.
Coding change: c.5245A>C on transcript NM_001256012.3 (MANE Select); coding-DNA position 5245, A replaced by C.
Protein change: p.Thr1749Pro; replaces threonine 1749 with proline.
Molecular consequence: missense variant.
Genome position (GRCh38, 1-based): chr17:8,481,341, T>G on the plus strand (A>C on the coding strand, the complement: MYH10 is on the minus strand). VCF-style: chr17-8481341-T-G. GRCh37 (hg19) VCF-style: chr17-8384659-T-G.
Other names: c.5179A>C, p.Thr1727Pro (NM_001256095.2); c.5182A>C, p.Thr1728Pro (NM_001375266.1); c.5152A>C, p.Thr1718Pro (NM_005964.5); short protein forms T1718P, T1727P, T1728P, T1749P.
Identifiers: ClinVar variation 3363215 (VCV003363215.1).